The following is an entry in ClinVar:

ClinVar aggregate classification (germline): Pathogenic/Likely pathogenic. Review status: criteria provided, multiple submitters, no conflicts (2 of 4 stars). 6 submissions from 6 submitters: Pathogenic (3); Likely pathogenic (3). Last evaluated 2023-05-20.

Conditions:
Cardiovascular phenotype. Identifiers: MedGen CN230736.
Hereditary cancer-predisposing syndrome. Also called: Hereditary Cancer Syndrome; Hereditary neoplastic syndrome; Tumor predisposition; Neoplastic Syndromes, Hereditary. Identifiers: Orphanet 140162, MedGen C0027672, MeSH D009386, MONDO:0015356.
Neurofibromatosis, type 1 (NF1). Also called: VON RECKLINGHAUSEN DISEASE; NEUROFIBROMATOSIS, TYPE I, SOMATIC; Peripheral type neurofibromatosis; Neurofibromatosis, type I. Identifiers: Orphanet 636, MedGen C0027831, MONDO:0018975, OMIM 162200. Disease mechanism: loss of function.

Submissions (6):

Neuberg Centre For Genomic Medicine, NCGM
Classification: Likely pathogenic for Neurofibromatosis, type 1. Last evaluated: 2023-05-20. Review status: criteria provided, single submitter. Criteria: ACMG Guidelines, 2015. Collection method: clinical testing. Allele origin: germline. Inheritance: Autosomal dominant inheritance. Affected: yes.
Comment: The missense c.128T>C (p.Leu43Pro) variant in the NF1 gene has been observed in individual(s) with neurofibromatosis type 1 (Giugliano, Teresa et al.,2019). A different amino acid change (p.Leu43Gln) has been submitted to clinvar as Likely Pathogenic. The variant is absent in gnomAD Exomes. It is submitted to ClinVar as Pathogenic/Likely Pathogenic. The amino acid Leucine at position 43 is changed to a Proline changing protein sequence and it might alter its composition and physico-chemical properties. Multiple lines of computational evidence (Polyphen - Damaging, SIFT – Damaging and MutationTaster - Disease causing) predict a damaging effect on protein structure and function for this variant. The amino acid proline in NF1 is predicted as conserved by GERP++ and PhyloP across 100 vertebrates. Functional studies are required to prove the pathoegnicity of the variant. For these reasons, this variant has been classified as Likely Pathogenic.

Ambry Genetics
Classification: Likely pathogenic for Cardiovascular phenotype; Hereditary cancer-predisposing syndrome. Last evaluated: 2023-03-28. Review status: criteria provided, single submitter. Criteria: Ambry Variant Classification Scheme 2023. Collection method: clinical testing. Allele origin: germline.
Comment: The p.L43P variant (also known as c.128T>C), located in coding exon 2 of the NF1 gene, results from a T to C substitution at nucleotide position 128. The leucine at codon 43 is replaced by proline, an amino acid with similar properties. This alteration has been reported in individuals with NF1-associated features (Paulo P et al. J Mol Diagn. 2017 07;19:502-513; Giugliano T et al. Genes (Basel). 2019 Jul;10:; Ambry internal data). This amino acid position is highly conserved in available vertebrate species. In addition, this alteration is predicted to be deleterious by in silico analysis. Based on the majority of available evidence to date, this variant is likely to be pathogenic.

Genome-Nilou Lab
Classification: Pathogenic for Neurofibromatosis, type 1. Last evaluated: 2022-03-15. Review status: criteria provided, single submitter. Criteria: ACMG Guidelines, 2015. Collection method: clinical testing. Allele origin: germline. Affected: no.

Labcorp Genetics (formerly Invitae), Labcorp
Classification: Pathogenic for Neurofibromatosis, type 1. Last evaluated: 2022-03-07. Review status: criteria provided, single submitter. Criteria: Invitae Variant Classification Sherloc (09022015). Collection method: clinical testing. Allele origin: germline.
Comment: For these reasons, this variant has been classified as Pathogenic. Advanced modeling of protein sequence and biophysical properties (such as structural, functional, and spatial information, amino acid conservation, physicochemical variation, residue mobility, and thermodynamic stability) performed at Invitae indicates that this missense variant is expected to disrupt NF1 protein function. ClinVar contains an entry for this variant (Variation ID: 457527). This missense change has been observed in individual(s) with neurofibromatosis type 1 (PMID: 28529006, 31370276; Invitae). In at least one individual the variant was observed to be de novo. This variant is not present in population databases (gnomAD no frequency). This sequence change replaces leucine, which is neutral and non-polar, with proline, which is neutral and non-polar, at codon 43 of the NF1 protein (p.Leu43Pro).

GeneDx
Classification: Likely pathogenic. Last evaluated: 2021-07-27. Review status: criteria provided, single submitter. Criteria: GeneDx Variant Classification Process June 2021. Collection method: clinical testing. Allele origin: germline. Affected: yes.
Comment: Not observed at significant frequency in large population cohorts (Lek 2016); In silico analysis supports that this missense variant has a deleterious effect on protein structure/function; This variant is associated with the following publications: (PMID: 31370276, 28529006)

MVZ Dr. Eberhard & Partner Dortmund
Classification: Pathogenic for Neurofibromatosis, type 1. Last evaluated: 2020-11-06. Review status: criteria provided, single submitter. Criteria: ACMG Guidelines, 2015. Collection method: clinical testing. Allele origin: unknown. Affected: yes. Observed: 1 heterozygote.
Comment: This transition at a highly conserved position (phyloP: 4.56 [-14.1;6.4]) is likely to cause an amino acid change from Leu43 to Pro. This amino acid is highly conserved up to BakerÂ´s yeast (considering 12 species) and multiple lines of computational evidence support a deleterious effect on the gene or gene product (SIFT (v6.2.0: deliterious (score 0, median 3.39; MutationTaster (v2013): disease causing (prob 1); Polyphen: probably pathogenic). There is also a moderate physicochemical difference between Leu and Pro (Grantham distance: 98 [0-215]). This variant is absent from controls in Exome Sequencing Project, 1000 Genomes Project and Exome Aggregation Consortium. This variant was reported as pathogenic in LOVD.

Literature cited by the submitters: PubMed 28529006 (cited by Labcorp Genetics (formerly Invitae), Labcorp); PubMed 31370276 (cited by Labcorp Genetics (formerly Invitae), Labcorp).

NM_001042492.3(NF1):c.128T>C (p.Leu43Pro)

Gene: NF1 (neurofibromin 1; plus strand). Cytogenetic location: 17q11.2.
Variant type: single nucleotide variant.
Coding change: c.128T>C on transcript NM_001042492.3 (MANE Select); coding-DNA position 128, T replaced by C.
Protein change: p.Leu43Pro; replaces leucine 43 with proline.
Molecular consequence: missense variant.
Genome position (GRCh38, 1-based): chr17:31,156,050, T>C. VCF-style: chr17-31156050-T-C. GRCh37 (hg19) VCF-style: chr17-29483068-T-C.
Other names: c.128T>C, p.Leu43Pro (NM_000267.4, NM_001128147.3); short protein forms L43P.
Identifiers: ClinVar variation 457527 (VCV000457527.17), dbSNP rs1555604899, ClinGen allele CA398988394.